The following is an entry in ClinVar:

NM_005618.4(DLL1):c.2048+3G>A

Genes: DLL1 (delta like canonical Notch ligand 1; minus strand), LOC126859913 (P300/CBP strongly-dependent group 1 enhancer GRCh37_chr6:170591232-170592431; plus strand). Cytogenetic location: 6q27.
Variant type: single nucleotide variant.
Coding change: c.2048+3G>A on transcript NM_005618.4 (MANE Select); 3 bases into the intron after coding-DNA position 2048, G replaced by A.
Molecular consequence: intron variant.
Genome position (GRCh38, 1-based): chr6:170,283,228, C>T on the plus strand (G>A on the coding strand, the complement: DLL1 is on the minus strand). VCF-style: chr6-170283228-C-T. GRCh37 (hg19) VCF-style: chr6-170592316-C-T.
Identifiers: ClinVar variation 3613732 (VCV003613732.2).
Genomic context (GRCh38, chr6:170,283,228, plus strand): 5'-GCAGTGGTTCCAGGAAGACACCCCCCAGGTACCCCCTCCTGATGCCCGGCCCGCAGCACG[C>T]ACCCCCTGAGTGTGGTCGGGGTCCCCTTCTCCTCCCCTGAGGAGCCCTGGGGCTGGCACT-3'

ClinVar aggregate classification (germline): Uncertain significance (1 of 4 stars; one submission).

gnomAD v4.1: 13 of 1,612,684 alleles (0.00081%); highest among the groups gnomAD compares: Non-Finnish European, 0.0011%; no homozygotes.

Submission:

Labcorp Genetics (formerly Invitae), Labcorp
Classification: Uncertain significance. Last evaluated: 2025-07-11. Review status: criteria provided, single submitter. Criteria: Invitae Variant Classification Sherloc (09022015). Collection method: clinical testing. Allele origin: germline.
Comment: This sequence change falls in intron 9 of the DLL1 gene. It does not directly change the encoded amino acid sequence of the DLL1 protein. It affects a nucleotide within the consensus splice site. This variant is present in population databases (rs776637007, gnomAD 0.005%). This variant has not been reported in the literature in individuals affected with DLL1-related conditions. ClinVar contains an entry for this variant (Variation ID: 3613732). Variants that disrupt the consensus splice site are a relatively common cause of aberrant splicing (PMID: 17576681, 9536098). Algorithms developed to predict the effect of sequence changes on RNA splicing suggest that this variant is not likely to affect RNA splicing. In summary, the available evidence is currently insufficient to determine the role of this variant in disease. Therefore, it has been classified as a Variant of Uncertain Significance.

Literature cited by the submitters: PubMed 17576681; PubMed 9536098.